The following is an entry in ClinVar:

NM_206933.4(USH2A):c.5857+1del

Genes: USH2A (usherin; minus strand), USH2A-AS2 (USH2A antisense RNA 2; plus strand). Cytogenetic location: 1q41.
Variant type: Deletion.
Coding change: c.5857+1del on transcript NM_206933.4 (MANE Select); the canonical splice donor site of the intron after coding-DNA position 5857, one base deleted (G; older notation c.5857+1delG).
Molecular consequence: splice donor variant.
Genome position (GRCh38, 1-based): chr1:216,072,888, C deleted on the plus strand (G on the coding strand, the reverse complement: USH2A is on the minus strand); the first of 2 consecutive C bases (chr1:216,072,888-216,072,889); deleting either gives the same sequence. VCF-style (leftmost placement, unchanged base first): chr1-216072887-AC-A. GRCh37 (hg19) VCF-style: chr1-216246229-AC-A.
Identifiers: ClinVar variation 2022635 (VCV002022635.4), dbSNP rs2527776609, ClinGen allele CA2580062094.

ClinVar aggregate classification (germline): Pathogenic (1 of 4 stars; one submission).

Submission:

Labcorp Genetics (formerly Invitae), Labcorp
Classification: Pathogenic. Last evaluated: 2022-08-07. Review status: criteria provided, single submitter. Criteria: Invitae Variant Classification Sherloc (09022015). Collection method: clinical testing. Allele origin: germline.
Comment: For these reasons, this variant has been classified as Pathogenic. Algorithms developed to predict the effect of sequence changes on RNA splicing suggest that this variant may disrupt the consensus splice site. This variant is also known as c.5857+1del. This variant has not been reported in the literature in individuals affected with USH2A-related conditions. This variant is not present in population databases (gnomAD no frequency). This sequence change creates a premature translational stop signal (p.Ala1953Leufs*14) in the USH2A gene. It is expected to result in an absent or disrupted protein product. Loss-of-function variants in USH2A are known to be pathogenic (PMID: 10729113, 10909849, 20507924, 25649381).

Literature cited by the submitters: PubMed 10729113; PubMed 10909849; PubMed 20507924; PubMed 25649381.